The following is an entry in ClinVar:

ClinVar aggregate classification (germline): Uncertain significance. Review status: criteria provided, multiple submitters, no conflicts (2 of 4 stars). 2 submissions from 2 submitters: Uncertain significance (2). Last evaluated 2024-06-23.

Conditions:
Inborn genetic diseases. Identifiers: MedGen C0950123, MeSH D030342.

Submissions (2):

Labcorp Genetics (formerly Invitae), Labcorp
Classification: Uncertain significance. Last evaluated: 2024-06-23. Review status: criteria provided, single submitter. Criteria: Invitae Variant Classification Sherloc (09022015). Collection method: clinical testing. Allele origin: germline.
Comment: This sequence change replaces glutamic acid, which is acidic and polar, with aspartic acid, which is acidic and polar, at codon 410 of the ATR protein (p.Glu410Asp). This variant is not present in population databases (gnomAD no frequency). This variant has not been reported in the literature in individuals affected with ATR-related conditions. An algorithm developed to predict the effect of missense changes on protein structure and function (PolyPhen-2) suggests that this variant is likely to be tolerated. In summary, the available evidence is currently insufficient to determine the role of this variant in disease. Therefore, it has been classified as a Variant of Uncertain Significance.

Ambry Genetics
Classification: Uncertain significance for Inborn genetic diseases. Last evaluated: 2024-05-27. Review status: criteria provided, single submitter. Criteria: Ambry Variant Classification Scheme 2023. Collection method: clinical testing. Allele origin: germline.
Comment: The p.E410D variant (also known as c.1230G>T), located in coding exon 5 of the ATR gene, results from a G to T substitution at nucleotide position 1230. The glutamic acid at codon 410 is replaced by aspartic acid, an amino acid with highly similar properties. This amino acid position is conserved. In addition, this alteration is predicted to be tolerated by in silico analysis. Based on the available evidence, the clinical significance of this variant remains unclear.

NM_001184.4(ATR):c.1230G>T (p.Glu410Asp)

Gene: ATR (ATR checkpoint kinase; minus strand). Cytogenetic location: 3q23.
Variant type: single nucleotide variant.
Coding change: c.1230G>T on transcript NM_001184.4 (MANE Select); coding-DNA position 1230, G replaced by T.
Protein change: p.Glu410Asp; replaces glutamic acid 410 with aspartic acid.
Molecular consequence: missense variant.
Genome position (GRCh38, 1-based): chr3:142,561,362, C>A on the plus strand (G>T on the coding strand, the complement: ATR is on the minus strand). VCF-style: chr3-142561362-C-A. GRCh37 (hg19) VCF-style: chr3-142280204-C-A.
Other names: c.1230G>T, p.Glu410Asp (NM_001354579.2); short protein forms E410D.
Identifiers: ClinVar variation 3332033 (VCV003332033.3).